The following is an entry in ClinVar:

NM_000057.4(BLM):c.479T>G (p.Phe160Cys)

Gene: BLM (BLM RecQ like helicase; plus strand). Cytogenetic location: 15q26.1.
Variant type: single nucleotide variant.
Coding change: c.479T>G on transcript NM_000057.4 (MANE Select); coding-DNA position 479, T replaced by G.
Protein change: p.Phe160Cys; replaces phenylalanine 160 with cysteine.
Molecular consequence: missense variant. On other transcripts: 5 prime UTR variant (1).
Genome position (GRCh38, 1-based): chr15:90,749,747, T>G. VCF-style: chr15-90749747-T-G. GRCh37 (hg19) VCF-style: chr15-91292977-T-G.
Other names: c.479T>G, p.Phe160Cys (NM_001287246.2, NM_001287247.2); c.-813T>G (NM_001287248.2); short protein forms F160C.
Identifiers: ClinVar variation 4867523 (VCV004867523.1).

ClinVar aggregate classification (germline): Uncertain significance (1 of 4 stars; one submission).

Conditions:
Hereditary cancer-predisposing syndrome. Also called: Neoplastic Syndromes, Hereditary; Tumor predisposition; Hereditary Cancer Syndrome; Hereditary neoplastic syndrome. Identifiers: Orphanet 140162, MedGen C0027672, MeSH D009386, MONDO:0015356.

Submission:

Ambry Genetics
Classification: Uncertain significance for Hereditary cancer-predisposing syndrome. Last evaluated: 2026-05-30. Review status: criteria provided, single submitter. Criteria: Ambry Variant Classification Scheme 2023. Collection method: clinical testing. Allele origin: germline.
Comment: The p.F160C variant (also known as c.479T>G), located in coding exon 2 of the BLM gene, results from a T to G substitution at nucleotide position 479. The phenylalanine at codon 160 is replaced by cysteine, an amino acid with highly dissimilar properties. This amino acid position is conserved. In addition, the in silico prediction for this alteration is inconclusive. Based on the available evidence, the clinical significance of this variant remains unclear.